The following is an entry in ClinVar:

NM_002292.4(LAMB2):c.3547A>G (p.Ile1183Val)

Gene: LAMB2 (laminin subunit beta 2; minus strand). Cytogenetic location: 3p21.31.
Variant type: single nucleotide variant.
Coding change: c.3547A>G on transcript NM_002292.4 (MANE Select); coding-DNA position 3547, A replaced by G.
Protein change: p.Ile1183Val; replaces isoleucine 1183 with valine.
Molecular consequence: missense variant.
Genome position (GRCh38, 1-based): chr3:49,123,978, T>C on the plus strand (A>G on the coding strand, the complement: LAMB2 is on the minus strand). VCF-style: chr3-49123978-T-C. GRCh37 (hg19) VCF-style: chr3-49161411-T-C.
Other names: short protein forms I1183V.
Identifiers: ClinVar variation 472477 (VCV000472477.7), dbSNP rs370877359, ClinGen allele CA2394016.
Genomic context (GRCh38, chr3:49,123,978, plus strand): 5'-CCTGCACCACTCGGTCCCAATCCCCGAAGCATGCATGGCAGGGATGGCAGGCAGGAAAGA[T>C]TCCTGAGAAGCCACGGGCACACTGGTCACAGCGCACACCAGACACCCCTGGGCGGCAGCT-3'
Protein context (NP_002283.3, residues 1173-1193): CDQCARGFSG[Ile1183Val]FPACHPCHAC

ClinVar aggregate classification (germline): Conflicting classifications of pathogenicity. Review status: criteria provided, conflicting classifications (1 of 4 stars). 5 submissions from 4 submitters: Uncertain significance (4); Likely benign (1). Last evaluated 2024-08-20.

Conditions:
Pierson syndrome. Also called: MICROCORIA-CONGENITAL NEPHROTIC SYNDROME. Identifiers: Orphanet 2670, MedGen C1836876, MONDO:0012184, OMIM 609049.
LAMB2-related infantile-onset nephrotic syndrome. Also called: NEPHROTIC SYNDROME, TYPE 5, WITHOUT OCULAR ABNORMALITIES; NEPHROTIC SYNDROME, TYPE 5, WITH OCULAR ABNORMALITIES; Nephrotic Syndrome, type 5. Identifiers: Orphanet 306507, MedGen C3280113, MONDO:0013621, OMIM 614199.
Inborn genetic diseases. Identifiers: MedGen C0950123, MeSH D030342.

Allele frequency attached by ClinVar (database versions not stated): ExAC 0.00001; gnomAD 0.00001; gnomAD exomes 0.00001; TOPMed 0.00001; ESP Exome Variant Server 0.00008.

Submissions (5):

Ambry Genetics
Classification: Likely benign for Inborn genetic diseases. Last evaluated: 2024-08-20. Review status: criteria provided, single submitter. Criteria: Ambry Variant Classification Scheme 2023. Collection method: clinical testing. Allele origin: germline.

Fulgent Genetics
Classification: Uncertain significance for Pierson syndrome; LAMB2-related infantile-onset nephrotic syndrome. Last evaluated: 2024-02-29. Review status: criteria provided, single submitter. Criteria: ACMG Guidelines, 2015. Collection method: clinical testing. Allele origin: germline.

Illumina Laboratory Services, Illumina
Classification: Uncertain significance for LAMB2-related infantile-onset nephrotic syndrome. Last evaluated: 2018-01-13. Review status: criteria provided, single submitter. Criteria: ICSL Variant Classification Criteria 13 December 2019. Collection method: clinical testing. Allele origin: germline.

Illumina Laboratory Services, Illumina
Classification: Uncertain significance for Pierson syndrome. Last evaluated: 2018-01-13. Review status: criteria provided, single submitter. Criteria: ICSL Variant Classification Criteria 13 December 2019. Collection method: clinical testing. Allele origin: germline.

Labcorp Genetics (formerly Invitae), Labcorp
Classification: Uncertain significance for LAMB2-related infantile-onset nephrotic syndrome; Pierson syndrome. Last evaluated: 2016-10-08. Review status: criteria provided, single submitter. Criteria: Invitae Variant Classification Sherloc (09022015). Collection method: clinical testing. Allele origin: germline.
Comment: This sequence change replaces isoleucine with valine at codon 1183 of the LAMB2 protein (p.Ile1183Val). The isoleucine residue is weakly conserved and there is a small physicochemical difference between isoleucine and valine. This variant is present in population databases (rs370877359, ExAC 0.002%) but has not been reported in the literature in individuals with a LAMB2-related disease. Algorithms developed to predict the effect of missense changes on protein structure and function output the following: (SIFT: "Tolerated"; PolyPhen-2: "Benign"; Align-GVGD: "Class C0"). The valine amino acid residue is found in multiple mammalian species, suggesting that this missense change does not adversely affect protein function. These predictions have not been confirmed by published functional studies. In summary, this variant is a rare missense change that is not predicted to affect protein function. There is no indication that it causes disease, but the available evidence is currently insufficient to prove that conclusively. Therefore, it has been classified as a Variant of Uncertain Significance.